The following is an entry in ClinVar:

ClinVar aggregate classification (germline): Conflicting classifications of pathogenicity. Review status: criteria provided, conflicting classifications (1 of 4 stars). 2 submissions from 2 submitters: Uncertain significance (1); Likely benign (1). Last evaluated 2022-03-11.

Conditions:
Glycogen storage disease IXb (GSD9B). Also called: GLYCOGENOSIS OF LIVER AND MUSCLE, AUTOSOMAL RECESSIVE; GSD IXb; PHOSPHORYLASE KINASE DEFICIENCY OF LIVER AND MUSCLE, AUTOSOMAL RECESSIVE. Identifiers: Orphanet 79240, MedGen C0543514, MONDO:0009868, OMIM 261750.

Allele frequency attached by ClinVar (database versions not stated): gnomAD exomes below 0.00001; ExAC 0.00001; TOPMed 0.00001; gnomAD 0.00002.
gnomAD v4.1: 6 of 1,613,992 alleles (0.00037%); highest among the groups gnomAD compares: South Asian, 0.0011%; no homozygotes.

Submissions (2):

Blueprint Genetics
Classification: Likely benign. Last evaluated: 2022-03-11. Review status: criteria provided, single submitter. Criteria: ACMG Guidelines, 2015. Collection method: clinical testing. Allele origin: germline.

Labcorp Genetics (formerly Invitae), Labcorp
Classification: Uncertain significance for Glycogen storage disease IXb. Last evaluated: 2021-12-24. Review status: criteria provided, single submitter. Criteria: Invitae Variant Classification Sherloc (09022015). Collection method: clinical testing. Allele origin: germline.
Comment: This sequence change replaces glycine, which is neutral and non-polar, with glutamic acid, which is acidic and polar, at codon 709 of the PHKB protein (p.Gly709Glu). This variant is present in population databases (rs745659494, gnomAD 0.003%). This variant has not been reported in the literature in individuals affected with PHKB-related conditions. Algorithms developed to predict the effect of missense changes on protein structure and function output the following: SIFT: "Tolerated"; PolyPhen-2: "Benign"; Align-GVGD: "Class C0". The glutamic acid amino acid residue is found in multiple mammalian species, which suggests that this missense change does not adversely affect protein function. In summary, the available evidence is currently insufficient to determine the role of this variant in disease. Therefore, it has been classified as a Variant of Uncertain Significance.

NM_000293.3(PHKB):c.2126G>A (p.Gly709Glu)

Gene: PHKB (phosphorylase kinase regulatory subunit beta; plus strand). Cytogenetic location: 16q12.1.
Variant type: single nucleotide variant.
Coding change: c.2126G>A on transcript NM_000293.3 (MANE Select); coding-DNA position 2126, G replaced by A.
Protein change: p.Gly709Glu; replaces glycine 709 with glutamic acid.
Molecular consequence: missense variant.
Genome position (GRCh38, 1-based): chr16:47,660,749, G>A. VCF-style: chr16-47660749-G-A. GRCh37 (hg19) VCF-style: chr16-47694660-G-A.
Other names: c.2105G>A, p.Gly702Glu (NM_001031835.3); c.2126G>A, p.Gly709Glu (NM_001363837.1); short protein forms G709E, G702E.
Identifiers: ClinVar variation 2197625 (VCV002197625.2), dbSNP rs745659494, ClinGen allele CA8041075.